The following is an entry in ClinVar:

NM_000091.5(COL4A3):c.1134A>G (p.Gly378=)

Genes: COL4A3 (collagen type IV alpha 3 chain; plus strand), MFF-DT (MFF divergent transcript; minus strand). Cytogenetic location: 2q36.3.
Variant type: single nucleotide variant.
Coding change: c.1134A>G on transcript NM_000091.5 (MANE Select); coding-DNA position 1134, A replaced by G.
Protein change: p.Gly378=; no amino-acid change (glycine 378 retained).
Molecular consequence: synonymous variant.
Genome position (GRCh38, 1-based): chr2:227,261,101, A>G. VCF-style: chr2-227261101-A-G. GRCh37 (hg19) VCF-style: chr2-228125817-A-G.
Identifiers: ClinVar variation 1627238 (VCV001627238.10), dbSNP rs752145071, ClinGen allele CA2146561.

ClinVar aggregate classification (germline): Conflicting classifications of pathogenicity. Review status: criteria provided, conflicting classifications (1 of 4 stars). 2 submissions from 2 submitters: Uncertain significance (1); Likely benign (1). Last evaluated 2026-01-19.

Conditions:
Alport syndrome 3b, autosomal recessive. Identifiers: MedGen C5882699, MONDO:0957811, OMIM 620536.

Allele frequency attached by ClinVar (database versions not stated): gnomAD exomes below 0.00001; ExAC 0.00001.
gnomAD v4.1: 2 of 1,612,084 alleles (0.00012%); highest among the groups gnomAD compares: East Asian, 0.0045%; no homozygotes.

Submissions (2):

3billion
Classification: Uncertain significance for Alport syndrome 3b, autosomal recessive. Last evaluated: 2026-01-19. Review status: criteria provided, single submitter. Criteria: ACMG Guidelines, 2015. Collection method: clinical testing. Allele origin: germline. Affected: yes.
Comment: The variant is observed at an extremely low frequency in the gnomAD v4.1.0 dataset (total allele frequency: <0.001%). Predicted Consequence/Location: Synonymous variant In silico tools predict the variant to alter splicing and produce an abnormal transcript [SpliceAI: 0.39 (>=0.2, moderate evidence for spliceogenicity)]. The variant has been reported as benign without evidence for the classification (ClinVar ID: VCV001627238). Therefore, this variant is classified as VUS according to the recommendation of ACMG/AMP guideline.

Labcorp Genetics (formerly Invitae), Labcorp
Classification: Likely benign. Last evaluated: 2023-12-01. Review status: criteria provided, single submitter. Criteria: Invitae Variant Classification Sherloc (09022015). Collection method: clinical testing. Allele origin: germline.